The following is an entry in ClinVar:

ClinVar aggregate classification (germline): Uncertain significance (1 of 4 stars; one submission).

Conditions:
Hereditary sensory and autonomic neuropathy type 6. Also called: HSAN VI; Neuropathy, hereditary sensory and autonomic, type VI. Identifiers: Orphanet 314381, MedGen C3539003, MONDO:0013839, OMIM 614653.
Epidermolysis bullosa simplex 3, localized or generalized intermediate, with BP230 deficiency (EBS3). Also called: Epidermolysis bullosa simplex, autosomal recessive 2; Epidermolysis bullosa simplex due to BP230 deficiency. Identifiers: Orphanet 412181, MedGen C3809470, MONDO:0014180, OMIM 615425.

Allele frequency attached by ClinVar (database versions not stated): TOPMed below 0.00001.
gnomAD v4.1: 1 of 1,607,498 alleles (0.000062%); highest among the groups gnomAD compares: Non-Finnish European, 0.000085%; no homozygotes.

Submission:

Labcorp Genetics (formerly Invitae), Labcorp
Classification: Uncertain significance for Epidermolysis bullosa simplex 3, localized or generalized intermediate, with BP230 deficiency; Hereditary sensory and autonomic neuropathy type 6. Last evaluated: 2022-03-18. Review status: criteria provided, single submitter. Criteria: Invitae Variant Classification Sherloc (09022015). Collection method: clinical testing. Allele origin: germline.
Comment: The DST gene has multiple clinically relevant transcripts. This variant occurs in alternate transcript NM_015548.4, and corresponds to NM_001723.5:c.*1144C>A in the primary transcript. This sequence change replaces proline, which is neutral and non-polar, with threonine, which is neutral and polar, at codon 1144 of the DST protein (p.Pro1144Thr). This variant is present in population databases (no rsID available, gnomAD 0.0009%). This variant has not been reported in the literature in individuals affected with DST-related conditions. Experimental studies and prediction algorithms are not available or were not evaluated, and the functional significance of this variant is currently unknown. In summary, the available evidence is currently insufficient to determine the role of this variant in disease. Therefore, it has been classified as a Variant of Uncertain Significance.

NM_001374736.1(DST):c.5041C>A (p.Pro1681Thr)

Gene: DST (dystonin; minus strand). Cytogenetic location: 6p12.1.
Variant type: single nucleotide variant.
Coding change: c.5041C>A on transcript NM_001374736.1 (MANE Select); coding-DNA position 5041, C replaced by A.
Protein change: p.Pro1681Thr; replaces proline 1681 with threonine.
Molecular consequence: missense variant.
Genome position (GRCh38, 1-based): chr6:56,614,373, G>T on the plus strand (C>A on the coding strand, the complement: DST is on the minus strand). VCF-style: chr6-56614373-G-T. GRCh37 (hg19) VCF-style: chr6-56479171-G-T.
Other names: c.4942C>A, p.Pro1648Thr (NM_001144769.5); c.4528C>A, p.Pro1510Thr (NM_001144770.2); c.5041C>A, p.Pro1681Thr (NM_001374722.1); c.4408C>A, p.Pro1470Thr (NM_001374729.1, NM_001374730.1, NM_001386100.1 and 1 more transcripts); c.5068C>A, p.Pro1690Thr (NM_001374734.1); c.3430C>A, p.Pro1144Thr (NM_015548.5); short protein forms P1470T, P1681T, P1144T, P1690T, P1510T, P1648T.
Identifiers: ClinVar variation 2200847 (VCV002200847.1), dbSNP rs762531991, ClinGen allele CA364561626.
Genomic context (GRCh38, chr6:56,614,373, plus strand): 5'-CCTGCTATTATTATTATTATTAAACCAGGACTTCTGTGAATACCTTTTGCTTAGAGAAGG[G>T]AGGTTTTCCAGCCTTCTCTGCATCTTTCAATGTCTTGCTGATATTTGATACCCATTTTTG-3'
Protein context (NP_001361665.1, residues 1671-1691): LKDAEKAGKP[Pro1681Thr]FSKQKISSEE